The following is an entry in ClinVar:

ClinVar aggregate classification (germline): Likely benign. Review status: criteria provided, multiple submitters, no conflicts (2 of 4 stars). 7 submissions from 7 submitters: Likely benign (7). Last evaluated 2025-12-19.

Conditions:
Cardiomyopathy (CMYO). Also called: Cardiomyopathies. Identifiers: Orphanet 167848, MedGen C0878544, MONDO:0004994, HP:0001638. Inheritance: Various modes of inheritance.
Arrhythmogenic cardiomyopathy with wooly hair and keratoderma. Also called: Arrhythmogenic cardiomyopathy with woolly hair and keratoderma; Carvajal syndrome; PALMOPLANTAR KERATODERMA WITH LEFT VENTRICULAR CARDIOMYOPATHY AND WOOLLY HAIR; Dilated cardiomyopathy with woolly hair and keratoderma. Identifiers: Orphanet 65282, MedGen C1854063, MONDO:0011581, OMIM 605676.
DSP-related disorder. Also called: DSP-related disorders; DSP-related condition.
Arrhythmogenic right ventricular dysplasia 8 (ARVD8). Also called: Arrhythmogenic Right Ventricular Dysplasia/Cardiomyopathy 8; ARRHYTHMOGENIC RIGHT VENTRICULAR DYSPLASIA, FAMILIAL, 8; ARRHYTHMOGENIC RIGHT VENTRICULAR CARDIOMYOPATHY 8. Identifiers: MedGen C1843896, MONDO:0011831, OMIM 607450.
Cardiovascular phenotype. Identifiers: MedGen CN230736.

Allele frequency attached by ClinVar (database versions not stated): gnomAD 0.00001; ExAC 0.00003; TOPMed 0.00003; gnomAD exomes 0.00004 and 0.00007.
gnomAD v4.1: 54 of 1,613,896 alleles (0.0033%); highest among the groups gnomAD compares: Admixed American, 0.025%; no homozygotes.

Submissions (7):

Labcorp Genetics (formerly Invitae), Labcorp
Classification: Likely benign for Arrhythmogenic cardiomyopathy with wooly hair and keratoderma; Arrhythmogenic right ventricular dysplasia 8. Last evaluated: 2025-12-19. Review status: criteria provided, single submitter. Criteria: Invitae Variant Classification Sherloc (09022015). Collection method: clinical testing. Allele origin: germline.

PreventionGenetics, part of Exact Sciences
Classification: Likely benign for DSP-related condition. Last evaluated: 2025-08-11. Review status: criteria provided, single submitter. Criteria: ACMG Guidelines, 2015. Collection method: clinical testing. Allele origin: germline.
Comment: This variant is classified as likely benign based on ACMG/AMP sequence variant interpretation guidelines (Richards et al. 2015 PMID: 25741868, with internal and published modifications).

Women's Health and Genetics/Laboratory Corporation of America, LabCorp
Classification: Likely benign. Last evaluated: 2025-04-23. Review status: criteria provided, single submitter. Criteria: LabCorp Variant Classification Summary - May 2015. Collection method: clinical testing. Allele origin: germline.

All of Us Research Program, National Institutes of Health
Classification: Likely benign for Arrhythmogenic cardiomyopathy with wooly hair and keratoderma. Last evaluated: 2023-10-30. Review status: criteria provided, single submitter. Criteria: ACMG Guidelines, 2015. Collection method: clinical testing. Allele origin: germline. Inheritance: Autosomal dominant inheritance. Observed: 5 variant alleles, 5 heterozygotes.
Comment: This study involves interpretation of variants in research participants for the purpose of population health screening. Participant phenotype was not available at the time of variant classification. Additional details can be found in publication PMID: 35346344, PMCID: PMC8962531

Ambry Genetics
Classification: Likely benign for Cardiovascular phenotype. Last evaluated: 2022-11-04. Review status: criteria provided, single submitter. Criteria: Ambry Variant Classification Scheme 2023. Collection method: clinical testing. Allele origin: germline.

Color Diagnostics, LLC DBA Color Health
Classification: Likely benign for Cardiomyopathy. Last evaluated: 2019-04-28. Review status: criteria provided, single submitter. Criteria: ACMG Guidelines, 2015. Collection method: clinical testing. Allele origin: germline.

GeneDx
Classification: Likely benign. Last evaluated: 2019-03-20. Review status: criteria provided, single submitter. Criteria: GeneDx Variant Classification Process June 2021. Collection method: clinical testing. Allele origin: germline. Affected: yes.

NM_004415.4(DSP):c.598-5C>T

Gene: DSP (desmoplakin; plus strand). Cytogenetic location: 6p24.3.
Variant type: single nucleotide variant.
Coding change: c.598-5C>T on transcript NM_004415.4 (MANE Select); 5 bases into the intron before coding-DNA position 598, C replaced by T.
Molecular consequence: intron variant.
Genome position (GRCh38, 1-based): chr6:7,562,647, C>T. VCF-style: chr6-7562647-C-T. GRCh37 (hg19) VCF-style: chr6-7562880-C-T.
Other names: c.598-5C>T (NM_001319034.2, NM_001008844.3).
Identifiers: ClinVar variation 745470 (VCV000745470.22), dbSNP rs765653540, ClinGen allele CA046508.